The following is an entry in ClinVar:

NM_152618.3(BBS12):c.1980G>A (p.Pro660=)

Gene: BBS12 (Bardet-Biedl syndrome 12; plus strand). Cytogenetic location: 4q27.
Variant type: single nucleotide variant.
Coding change: c.1980G>A on transcript NM_152618.3 (MANE Select); coding-DNA position 1980, G replaced by A.
Protein change: p.Pro660=; no amino-acid change (proline 660 retained).
Molecular consequence: synonymous variant.
Genome position (GRCh38, 1-based): chr4:122,743,872, G>A. VCF-style: chr4-122743872-G-A. GRCh37 (hg19) VCF-style: chr4-123665027-G-A.
Other names: c.1980G>A, p.Pro660= (NM_001178007.2).
Identifiers: ClinVar variation 697020 (VCV000697020.13), dbSNP rs778953866, ClinGen allele CA3069539.

ClinVar aggregate classification (germline): Likely benign. Review status: criteria provided, multiple submitters, no conflicts (2 of 4 stars). 4 submissions from 4 submitters: Likely benign (2). 2 of the submissions do not count toward it. Last evaluated 2025-09-14.

Conditions:
Bardet-Biedl syndrome (BBS). Identifiers: Orphanet 110, MedGen C0752166, MONDO:0015229.
BBS12-related disorder. Also called: BBS12-related condition.
Bardet-Biedl syndrome 12 (BBS12). Identifiers: Orphanet 110, MedGen C1859570, MONDO:0014440, OMIM 615989.

Allele frequency attached by ClinVar (database versions not stated): ExAC 0.00006; gnomAD 0.00007 and 0.00008; TOPMed 0.00008; gnomAD exomes 0.00009 and 0.00011.

Submissions (4):

Labcorp Genetics (formerly Invitae), Labcorp
Classification: Likely benign for Bardet-Biedl syndrome. Last evaluated: 2025-09-14. Review status: criteria provided, single submitter. Criteria: Invitae Variant Classification Sherloc (09022015). Collection method: clinical testing. Allele origin: germline.

Blueprint Genetics
Classification: Likely benign. Last evaluated: 2023-08-31. Review status: criteria provided, single submitter. Criteria: ACMG Guidelines, 2015. Collection method: clinical testing. Allele origin: germline.

PreventionGenetics, part of Exact Sciences
Classification: Likely benign for BBS12-related condition. Last evaluated: 2020-09-25. Review status: no assertion criteria provided. Collection method: clinical testing. Allele origin: germline. Not counted in ClinVar's aggregate classification.
Comment: This variant is classified as likely benign based on ACMG/AMP sequence variant interpretation guidelines (Richards et al. 2015 PMID: 25741868, with internal and published modifications).

Natera, Inc.
Classification: Likely benign for Bardet-Biedl syndrome type 12. Last evaluated: 2020-09-18. Review status: no assertion criteria provided. Collection method: clinical testing. Allele origin: germline. Not counted in ClinVar's aggregate classification.